The following is an entry in ClinVar:

NM_001563.4(IMPG1):c.995G>C (p.Ser332Thr)

Gene: IMPG1 (interphotoreceptor matrix proteoglycan 1; minus strand). Cytogenetic location: 6q14.1.
Variant type: single nucleotide variant.
Coding change: c.995G>C on transcript NM_001563.4 (MANE Select); coding-DNA position 995, G replaced by C.
Protein change: p.Ser332Thr; replaces serine 332 with threonine.
Molecular consequence: missense variant.
Genome position (GRCh38, 1-based): chr6:76,005,427, C>G on the plus strand (G>C on the coding strand, the complement: IMPG1 is on the minus strand). VCF-style: chr6-76005427-C-G. GRCh37 (hg19) VCF-style: chr6-76715144-C-G.
Other names: c.761G>C, p.Ser254Thr (NM_001282368.2); short protein forms S332T, S254T.
Identifiers: ClinVar variation 2977216 (VCV002977216.4), dbSNP rs201523889, ClinGen allele CA141083786.

ClinVar aggregate classification (germline): Uncertain significance. Review status: criteria provided, multiple submitters, no conflicts (2 of 4 stars). 2 submissions from 2 submitters: Uncertain significance (2). Last evaluated 2023-06-16.

Submissions (2):

Labcorp Genetics (formerly Invitae), Labcorp
Classification: Uncertain significance. Last evaluated: 2023-06-16. Review status: criteria provided, single submitter. Criteria: Invitae Variant Classification Sherloc (09022015). Collection method: clinical testing. Allele origin: germline.
Comment: In summary, the available evidence is currently insufficient to determine the role of this variant in disease. Therefore, it has been classified as a Variant of Uncertain Significance. An algorithm developed to predict the effect of missense changes on protein structure and function (PolyPhen-2) suggests that this variant is likely to be tolerated. This variant has not been reported in the literature in individuals affected with IMPG1-related conditions. This variant is not present in population databases (gnomAD no frequency). This sequence change replaces serine, which is neutral and polar, with threonine, which is neutral and polar, at codon 332 of the IMPG1 protein (p.Ser332Thr).

Blueprint Genetics
Classification: Uncertain significance. Last evaluated: 2022-08-25. Review status: criteria provided, single submitter. Criteria: ACMG Guidelines, 2015. Collection method: clinical testing. Allele origin: germline.